The following is an entry in ClinVar:

ClinVar aggregate classification (germline): Uncertain significance (1 of 4 stars; one submission).

Conditions:
Aortic aneurysm, familial thoracic 8 (AAT8). Identifiers: MedGen C3809513, MONDO:0014187, OMIM 615436.

Submission:

Labcorp Genetics (formerly Invitae), Labcorp
Classification: Uncertain significance for Aortic aneurysm, familial thoracic 8. Last evaluated: 2025-10-21. Review status: criteria provided, single submitter. Criteria: Invitae Variant Classification Sherloc (09022015). Collection method: clinical testing. Allele origin: germline.
Comment: This sequence change replaces phenylalanine, which is neutral and non-polar, with valine, which is neutral and non-polar, at codon 366 of the PRKG1 protein (p.Phe366Val). This variant is not present in population databases (gnomAD no frequency). This variant has not been reported in the literature in individuals affected with PRKG1-related conditions. An algorithm developed to predict the effect of missense changes on protein structure and function (PolyPhen-2) suggests that this variant is likely to be tolerated. In summary, the available evidence is currently insufficient to determine the role of this variant in disease. Therefore, it has been classified as a Variant of Uncertain Significance.

NM_006258.4(PRKG1):c.1096T>G (p.Phe366Val)

Gene: PRKG1 (protein kinase cGMP-dependent 1; plus strand). Cytogenetic location: 10q21.1.
Variant type: single nucleotide variant.
Coding change: c.1096T>G on transcript NM_006258.4 (MANE Select); coding-DNA position 1096, T replaced by G.
Protein change: p.Phe366Val; replaces phenylalanine 366 with valine.
Molecular consequence: missense variant. On other transcripts: 5 prime UTR variant (1).
Genome position (GRCh38, 1-based): chr10:52,251,589, T>G. VCF-style: chr10-52251589-T-G. GRCh37 (hg19) VCF-style: chr10-54011349-T-G.
Other names: c.1051T>G, p.Phe351Val (NM_001098512.3); c.-114T>G (NM_001374781.1); short protein forms F366V, F351V.
Identifiers: ClinVar variation 4770895 (VCV004770895.1).